The following is an entry in ClinVar:

ClinVar aggregate classification (germline): Uncertain significance (1 of 4 stars; one submission).

Conditions:
Pure or complex autosomal recessive spastic paraplegia. Identifiers: Orphanet 320346, MedGen C5679887, MONDO:0017915.

Allele frequency attached by ClinVar (database versions not stated): TOPMed below 0.00001.

Submission:

Labcorp Genetics (formerly Invitae), Labcorp
Classification: Uncertain significance for Pure or complex autosomal recessive spastic paraplegia. Last evaluated: 2023-04-09. Review status: criteria provided, single submitter. Criteria: Invitae Variant Classification Sherloc (09022015). Collection method: clinical testing. Allele origin: germline.
Comment: In summary, the available evidence is currently insufficient to determine the role of this variant in disease. Therefore, it has been classified as a Variant of Uncertain Significance. Variants that disrupt the consensus splice site are a relatively common cause of aberrant splicing (PMID: 17576681, 9536098). Algorithms developed to predict the effect of sequence changes on RNA splicing suggest that this variant is not likely to affect RNA splicing. This variant has not been reported in the literature in individuals affected with ZFR-related conditions. This variant is present in population databases (no rsID available, gnomAD 0.0009%). This sequence change falls in intron 16 of the ZFR gene. It does not directly change the encoded amino acid sequence of the ZFR protein. It affects a nucleotide within the consensus splice site.

Literature cited by the submitters: PubMed 17576681; PubMed 9536098.

NM_016107.5(ZFR):c.2740-3A>C

Gene: ZFR (zinc finger RNA binding protein; minus strand). Cytogenetic location: 5p13.3.
Variant type: single nucleotide variant.
Coding change: c.2740-3A>C on transcript NM_016107.5 (MANE Select); 3 bases into the intron before coding-DNA position 2740, A replaced by C.
Molecular consequence: intron variant.
Genome position (GRCh38, 1-based): chr5:32,379,213, T>G on the plus strand (A>C on the coding strand, the complement: ZFR is on the minus strand). VCF-style: chr5-32379213-T-G. GRCh37 (hg19) VCF-style: chr5-32379319-T-G.
Identifiers: ClinVar variation 2878465 (VCV002878465.3), dbSNP rs1446146165, ClinGen allele CA558470711.
Genomic context (GRCh38, chr5:32,379,213, plus strand): 5'-AGAGGTCTCGAAGAATGCGTATGATAATCACACAGGACTGCAGACCATTAGCTCTAGCCT[T>G]GAGAGCAACATAAAAACCAATTGAATTAATCTTAGAAATACTGAATATATCCCTTGATGA-3'